The following is an entry in ClinVar:

Conditions:
Long QT syndrome 5 (LQT5). Identifiers: Orphanet 101016, Orphanet 768, MedGen C1867904, MONDO:0013372, OMIM 613695.

Submission:

Roden Lab, Vanderbilt University Medical Center
No classification provided (evidence only). Condition: Long QT syndrome 5. Review status: no classification provided. Collection method: in vitro. Allele origin: not applicable. Functional consequence: Effect on ion channel function.
ClinVar note: "not provided" was previously submitted as the classification for the variant. However, the classification appeared to be based only on an observation of functional data so it was converted to no classification on 2025-07-30.

NM_000219.6(KCNE1):c.8T>A (p.Leu3Gln)

Gene: KCNE1 (potassium voltage-gated channel subfamily E regulatory subunit 1; minus strand). Cytogenetic location: 21q22.12.
Variant type: single nucleotide variant.
Coding change: c.8T>A on transcript NM_000219.6 (MANE Select); coding-DNA position 8, T replaced by A.
Protein change: p.Leu3Gln; replaces leucine 3 with glutamine.
Molecular consequence: missense variant.
Genome position (GRCh38, 1-based): chr21:34,449,627, A>T on the plus strand (T>A on the coding strand, the complement: KCNE1 is on the minus strand). VCF-style: chr21-34449627-A-T. GRCh37 (hg19) VCF-style: chr21-35821925-A-T.
Other names: c.8T>A, p.Leu3Gln (NM_001127668.4, NM_001127669.4, NM_001127670.4 and 4 more transcripts); short protein forms L3Q.
Identifiers: ClinVar variation 3373982 (VCV003373982.2).